The following is an entry in ClinVar:

ClinVar aggregate classification (germline): Uncertain significance. Review status: criteria provided, multiple submitters, no conflicts (2 of 4 stars). 2 submissions from 2 submitters: Uncertain significance (2). Last evaluated 2026-05-28.

Conditions:
Cardiovascular phenotype. Identifiers: MedGen CN230736.
Long QT syndrome (LQTS). Identifiers: MedGen C0023976, MeSH D008133, MONDO:0002442. Disease mechanism: loss of function. Inheritance: Various modes of inheritance.

Submissions (2):

Ambry Genetics
Classification: Uncertain significance for Cardiovascular phenotype. Last evaluated: 2026-05-28. Review status: criteria provided, single submitter. Criteria: Ambry Variant Classification Scheme 2023. Collection method: clinical testing. Allele origin: germline.
Comment: The p.M471I variant (also known as c.1413G>A), located in coding exon 8 of the AKAP9 gene, results from a G to A substitution at nucleotide position 1413. The methionine at codon 471 is replaced by isoleucine, an amino acid with highly similar properties. This amino acid position is conserved. In addition, this alteration is predicted to be tolerated by in silico analysis. Based on the available evidence, the clinical significance of this variant remains unclear.

Labcorp Genetics (formerly Invitae), Labcorp
Classification: Uncertain significance for Long QT syndrome. Last evaluated: 2021-12-07. Review status: criteria provided, single submitter. Criteria: Invitae Variant Classification Sherloc (09022015). Collection method: clinical testing. Allele origin: germline.
Comment: In summary, the available evidence is currently insufficient to determine the role of this variant in disease. Therefore, it has been classified as a Variant of Uncertain Significance. Algorithms developed to predict the effect of missense changes on protein structure and function output the following: SIFT: "Tolerated"; PolyPhen-2: "Benign"; Align-GVGD: "Class C0". The isoleucine amino acid residue is found in multiple mammalian species, which suggests that this missense change does not adversely affect protein function. ClinVar contains an entry for this variant (Variation ID: 1035327). This variant has not been reported in the literature in individuals affected with AKAP9-related conditions. This variant is not present in population databases (gnomAD no frequency). This sequence change replaces methionine, which is neutral and non-polar, with isoleucine, which is neutral and non-polar, at codon 471 of the AKAP9 protein (p.Met471Ile).

NM_005751.5(AKAP9):c.1413G>A (p.Met471Ile)

Gene: AKAP9 (A-kinase anchoring protein 9; plus strand). Cytogenetic location: 7q21.2.
Variant type: single nucleotide variant.
Coding change: c.1413G>A on transcript NM_005751.5 (MANE Select); coding-DNA position 1413, G replaced by A.
Protein change: p.Met471Ile; replaces methionine 471 with isoleucine.
Molecular consequence: missense variant.
Genome position (GRCh38, 1-based): chr7:92,001,330, G>A. VCF-style: chr7-92001330-G-A. GRCh37 (hg19) VCF-style: chr7-91630644-G-A.
Other names: c.1413G>A, p.Met471Ile (NM_147185.3); c.1413G>A (NM_005751.4); short protein forms M471I.
Identifiers: ClinVar variation 1035327 (VCV001035327.8), dbSNP rs1799153881, ClinGen allele CA368121734.